The following is an entry in ClinVar:

ClinVar aggregate classification (germline): Pathogenic. Review status: reviewed by expert panel (3 of 4 stars). 3 submissions from 3 submitters: Pathogenic (1). 2 of the submissions do not count toward it. Last evaluated 2025-12-05.

Conditions:
ABCA4-related disorder. Also called: ABCA4-related disorders; ABCA4-related condition. Identifiers: MedGen CN239167.
ABCA4-related retinopathy. Also called: ABCA4 retinoapthy; ABCA4-related retinoapthy. Identifiers: MedGen CN322612, MONDO:0800406.

Submissions (3):

ClinGen ABCA4 Variant Curation Expert Panel, Clingen
Classification: Pathogenic for ABCA4-related retinopathy. Last evaluated: 2025-12-05. Review status: reviewed by expert panel. Criteria: ClinGen ABCA4 ACMG Specifications V1.0.0. Collection method: curation. Allele origin: germline. Inheritance: Autosomal recessive inheritance.
Comment: The NM_000350.3:c.4555del (p.Thr1519ArgfsTer7) variant in ABCA4 is a frameshift variant predicted to cause a premature stop codon in biologically relevant exon 31/50 leading to nonsense mediated decay in a gene in which loss-of-function is an established disease mechanism (PVS1). This variant is absent from gnomAD v4.1.0 (PM2_Supporting). The prevalence of the variant in affected individuals is significantly increased compared with the prevalence in controls with an OR of infinity and the CI is 10.92-infinity, which is above the ABCA4 VCEP threshold of ≥5, where the CI does not contain 1 (PS4; PMID: 35120629). In summary, this variant meets the criteria to be classified as pathogenic for ABCA4-related retinopathy based on the ACMG/AMP criteria applied, as specified by the ClinGen ABCA4 VCEP (Specification Version 1): PVS1, PS4, PM2_Supporting

Labcorp Genetics (formerly Invitae), Labcorp
Classification: Pathogenic. Last evaluated: 2024-01-09. Review status: criteria provided, single submitter. Criteria: Invitae Variant Classification Sherloc (09022015). Collection method: clinical testing. Allele origin: germline. Not counted in ClinVar's aggregate classification.
Comment: This sequence change creates a premature translational stop signal (p.Thr1519Argfs*7) in the ABCA4 gene. It is expected to result in an absent or disrupted protein product. Loss-of-function variants in ABCA4 are known to be pathogenic (PMID: 10958761, 24938718, 25312043, 26780318). This variant is not present in population databases (gnomAD no frequency). This premature translational stop signal has been observed in individual(s) with Stargardt disease (PMID: 26161775). For these reasons, this variant has been classified as Pathogenic.

Blueprint Genetics
Classification: Likely pathogenic for ABCA4-related disorders. Last evaluated: 2020-01-13. Review status: criteria provided, single submitter. Criteria: ACMG Guidelines, 2015. Collection method: clinical testing. Allele origin: germline. Affected: yes. Observed: 5 variant alleles. Not counted in ClinVar's aggregate classification.

Literature cited by the submitters: PubMed 10958761 (cited by Labcorp Genetics (formerly Invitae), Labcorp); PubMed 24938718 (cited by Labcorp Genetics (formerly Invitae), Labcorp); PubMed 25312043 (cited by Labcorp Genetics (formerly Invitae), Labcorp); PubMed 26780318 (cited by Labcorp Genetics (formerly Invitae), Labcorp); PubMed 26161775 (cited by Labcorp Genetics (formerly Invitae), Labcorp).

NM_000350.3(ABCA4):c.4555del (p.Thr1519fs)

Gene: ABCA4 (ATP binding cassette subfamily A member 4; minus strand). Cytogenetic location: 1p22.1.
Variant type: Deletion.
Coding change: c.4555del on transcript NM_000350.3 (MANE Select); coding-DNA position 4555, one base deleted (A; older notation c.4555delA).
Protein change: p.Thr1519fs; shifts the reading frame from threonine 1519.
Molecular consequence: frameshift variant.
Genome position (GRCh38, 1-based): chr1:94,025,033, T deleted on the plus strand (A on the coding strand, the reverse complement: ABCA4 is on the minus strand). VCF-style (leftmost placement, unchanged base first): chr1-94025032-GT-G. GRCh37 (hg19) VCF-style: chr1-94490588-GT-G.
Other names: NM_000350.3(ABCA4):c.4555del; p.Thr1519fs; c.4333delA, p.Thr1445Argfs (NM_001425324.1); short protein forms T1519fs.
Identifiers: ClinVar variation 2733921 (VCV002733921.4), dbSNP rs2523707270, ClinGen allele CA645372203.